The following is an entry in ClinVar:

NM_018344.6(SLC29A3):c.889C>T (p.Pro297Ser)

Gene: SLC29A3 (solute carrier family 29 member 3; plus strand). Cytogenetic location: 10q22.1.
Variant type: single nucleotide variant.
Coding change: c.889C>T on transcript NM_018344.6 (MANE Select); coding-DNA position 889, C replaced by T.
Protein change: p.Pro297Ser; replaces proline 297 with serine.
Molecular consequence: missense variant. On other transcripts: 3 prime UTR variant (1), non-coding transcript variant (2).
Genome position (GRCh38, 1-based): chr10:71,362,069, C>T. VCF-style: chr10-71362069-C-T. GRCh37 (hg19) VCF-style: chr10-73121826-C-T.
Other names: c.*118C>T (NM_001174098.2); c.655C>T, p.Pro219Ser (NM_001363518.2); short protein forms P219S, P297S.
Identifiers: ClinVar variation 1472786 (VCV001472786.3), dbSNP rs150719927, ClinGen allele CA5543078.

ClinVar aggregate classification (germline): Uncertain significance (1 of 4 stars; one submission).

Conditions:
H syndrome. Also called: HISTIOCYTOSIS AND LYMPHADENOPATHY WITH OR WITHOUT CUTANEOUS, CARDIAC, AND/OR ENDOCRINE FEATURES, JOINT CONTRACTURES, AND/OR DEAFNESS; HYPERPIGMENTATION, CUTANEOUS, WITH HYPERTRICHOSIS, HEPATOSPLENOMEGALY, HEART ANOMALIES, AND HYPOGONADISM WITH OR WITHOUT HEARING LOSS; PIGMENTED HYPERTRICHOSIS WITH INSULIN-DEPENDENT DIABETES MELLITUS; ROSAI-DORFMAN DISEASE, FAMILIAL; SINUS HISTIOCYTOSIS AND MASSIVE LYMPHADENOPATHY; Hyperpigmentation, Cutaneous, with Hypertrichosis, Hepatosplenomegaly, Heart Anomalies, Hearing Loss, and Hypogonadism. Identifiers: Orphanet 168569, MedGen C1864445, MONDO:0011273, OMIM 602782.

Allele frequency attached by ClinVar (database versions not stated): gnomAD exomes below 0.00001; ExAC 0.00001; TOPMed 0.00003; ESP Exome Variant Server 0.00008.
gnomAD v4.1: 10 of 1,614,050 alleles (0.00062%); highest among the groups gnomAD compares: African/African-American, 0.0013%; no homozygotes.

Submission:

Labcorp Genetics (formerly Invitae), Labcorp
Classification: Uncertain significance for H syndrome. Last evaluated: 2021-09-14. Review status: criteria provided, single submitter. Criteria: Invitae Variant Classification Sherloc (09022015). Collection method: clinical testing. Allele origin: germline.
Comment: This sequence change replaces proline with serine at codon 297 of the SLC29A3 protein (p.Pro297Ser). The proline residue is highly conserved and there is a moderate physicochemical difference between proline and serine. This variant is present in population databases (rs150719927, ExAC 0.001%). This variant has not been reported in the literature in individuals affected with SLC29A3-related conditions. Algorithms developed to predict the effect of missense changes on protein structure and function are either unavailable or do not agree on the potential impact of this missense change (SIFT: "Tolerated"; PolyPhen-2: "Possibly Damaging"; Align-GVGD: "Class C15"). In summary, the available evidence is currently insufficient to determine the role of this variant in disease. Therefore, it has been classified as a Variant of Uncertain Significance.